The following is an entry in ClinVar:

ClinVar aggregate classification (germline): Uncertain significance. Review status: reviewed by expert panel (3 of 4 stars). 3 submissions from 3 submitters: Uncertain significance (1). 2 of the submissions do not count toward it. Last evaluated 2024-01-10.

Conditions:
X-linked severe combined immunodeficiency (SCIDX1). Also called: T-B+ severe combined immunodeficiency due to gamma chain deficiency; IMMUNODEFICIENCY 4; X-Linked Combined Immunodeficiency Diseases; SCID, X-LINKED; SEVERE COMBINED IMMUNODEFICIENCY, X-LINKED, T CELL-NEGATIVE, B CELL-POSITIVE, NK CELL-NEGATIVE. Identifiers: Orphanet 276, MedGen C6022468, MONDO:0010315, OMIM 300400. Disease mechanism: loss of function.

Submissions (3):

ClinGen Severe Combined Immunodeficiency Variant Curation Expert Panel, ClinGen
Classification: Uncertain significance for X-linked severe combined immunodeficiency. Last evaluated: 2024-01-10. Review status: reviewed by expert panel. Criteria: ClinGen SCID ACMG Specifications IL2RG V1.0.0. Collection method: curation. Allele origin: germline. Inheritance: X-linked inheritance.
Comment: NM_000206.3(IL2RG):c.460C>T is a missense variant predicted to cause substitution of Proline by Serine at amino acid 154 (p.Pro154Ser).The variant is absent in gnomAD v4 (PM2_supporting). To our knowledge, this variant has not been reported in the literature in individuals affected with IL2RG related conditions or in functional studies. In summary, this variant meets the criteria to be classified as a variant of uncertain significance for X-linked severe combined immunodeficiency due to IL2RG deficiency based on the ACMG/AMP criteria applied, as specified by the ClinGen SCID VCEP: PM2_supporting (VCEP specifications version 1).

Labcorp Genetics (formerly Invitae), Labcorp
Classification: Uncertain significance for X-linked severe combined immunodeficiency. Last evaluated: 2021-12-19. Review status: criteria provided, single submitter. Criteria: Invitae Variant Classification Sherloc (09022015). Collection method: clinical testing. Allele origin: germline. Not counted in ClinVar's aggregate classification.
Comment: In summary, the available evidence is currently insufficient to determine the role of this variant in disease. Therefore, it has been classified as a Variant of Uncertain Significance. Advanced modeling of protein sequence and biophysical properties (such as structural, functional, and spatial information, amino acid conservation, physicochemical variation, residue mobility, and thermodynamic stability) performed at Invitae indicates that this missense variant is expected to disrupt IL2RG protein function. ClinVar contains an entry for this variant (Variation ID: 418256). This variant has not been reported in the literature in individuals affected with IL2RG-related conditions. This variant is not present in population databases (gnomAD no frequency). This sequence change replaces proline, which is neutral and non-polar, with serine, which is neutral and polar, at codon 154 of the IL2RG protein (p.Pro154Ser).

GeneDx
Classification: Likely pathogenic. Last evaluated: 2017-02-23. Review status: criteria provided, single submitter. Criteria: GeneDx Variant Classification (06012015). Collection method: clinical testing. Allele origin: germline. Affected: yes. Not counted in ClinVar's aggregate classification.
Comment: The P154S variant has been reported previously in association with a primary immunodeficiency; the variant was present in only 3% of alleles, and the patient was noted to have an atypical phenotype (Stoddard et al., 2014). The variant is not observed in large population cohorts (Lek et al., 2016; 1000 Genomes Consortium et al., 2015; Exome Variant Server). P154S is a non-conservative amino acid substitution, which is likely to impact secondary protein structure as these residues differ in polarity, charge, size and/or other properties. This substitution occurs at a position that is conserved in mammals, and in silico analysis predicts this variant is probably damaging to the protein structure/function. Missense variants in nearby residues (L151P, V152A, I153N, A156V, P157S) have been reported in the Human Gene Mutation Database in association with severe combined immunodeficiency (SCID) (Stenson et al., 2014), supporting the functional importance of this region of the protein. In summary, this variant is likely pathogenic; however, the possibility that it is benign cannot be excluded.

NM_000206.3(IL2RG):c.460C>T (p.Pro154Ser)

Gene: IL2RG (interleukin 2 receptor subunit gamma; minus strand). Cytogenetic location: Xq13.1.
Variant type: single nucleotide variant.
Coding change: c.460C>T on transcript NM_000206.3 (MANE Select); coding-DNA position 460, C replaced by T.
Protein change: p.Pro154Ser; replaces proline 154 with serine.
Molecular consequence: missense variant.
Genome position (GRCh38, 1-based): chrX:71,110,290, G>A on the plus strand (C>T on the coding strand, the complement: IL2RG is on the minus strand). VCF-style: chrX-71110290-G-A. GRCh37 (hg19) VCF-style: chrX-70330140-G-A.
Other names: NM_000206.3(IL2RG):c.460C>T; p.Pro154Ser; short protein forms P154S.
Identifiers: ClinVar variation 418256 (VCV000418256.7), dbSNP rs1064793153, ClinGen allele CA16621485.
Genomic context (GRCh38, chrX:71,110,290, plus strand): 5'-AGTTCAGTTCTAGCTGGGATTCACTCAGTTTGTGAAGTGTTAGGTTCTCTGGAGCCCAGG[G>A]GATCACTGGAGATATGTGTGCATATGTGGTCATTCCCCTGGCCTAGACAAGTCAGGATCC-3'
Protein context (NP_000197.1, residues 144-164): QMLKLQNLVI[Pro154Ser]WAPENLTLHK